The following is an entry in ClinVar:

NM_001148.6(ANK2):c.3628C>A (p.Leu1210Ile)

Gene: ANK2 (ankyrin 2; plus strand). Cytogenetic location: 4q26.
Variant type: single nucleotide variant.
Coding change: c.3628C>A on transcript NM_001148.6 (MANE Select); coding-DNA position 3628, C replaced by A.
Protein change: p.Leu1210Ile; replaces leucine 1210 with isoleucine.
Molecular consequence: missense variant.
Genome position (GRCh38, 1-based): chr4:113,336,613, C>A. VCF-style: chr4-113336613-C-A. GRCh37 (hg19) VCF-style: chr4-114257769-C-A.
Other names: c.3442C>A, p.Leu1148Ile (NM_001386146.1, NM_001386149.1, NM_001386150.1 and 6 more transcripts); c.3487C>A, p.Leu1163Ile (NM_001386147.1, NM_001354261.2); c.3613C>A, p.Leu1205Ile (NM_001386148.2, NM_001386186.2); c.3244C>A, p.Leu1082Ile (NM_001386157.1, NM_001354277.2); c.3145C>A, p.Leu1049Ile (NM_001386158.1); c.3472C>A, p.Leu1158Ile (NM_001386160.1); c.28C>A, p.Leu10Ile (NM_001386166.1, NM_001386167.1); c.3343C>A, p.Leu1115Ile (NM_001386151.1, NM_001354271.2, NM_001354260.2); and 31 more; short protein forms L1139I, L1148I, L1165I, L1176I, L1224I, L1225I, L1249I, L386I.
Identifiers: ClinVar variation 2845330 (VCV002845330.3), dbSNP rs2503191042, ClinGen allele CA357938292.

ClinVar aggregate classification (germline): Uncertain significance (1 of 4 stars; one submission).

Conditions:
Long QT syndrome (LQTS). Identifiers: MedGen C0023976, MeSH D008133, MONDO:0002442. Disease mechanism: loss of function. Inheritance: Various modes of inheritance.

Submission:

Labcorp Genetics (formerly Invitae), Labcorp
Classification: Uncertain significance for Long QT syndrome. Last evaluated: 2023-03-13. Review status: criteria provided, single submitter. Criteria: Invitae Variant Classification Sherloc (09022015). Collection method: clinical testing. Allele origin: germline.
Comment: In summary, the available evidence is currently insufficient to determine the role of this variant in disease. Therefore, it has been classified as a Variant of Uncertain Significance. Advanced modeling of protein sequence and biophysical properties (such as structural, functional, and spatial information, amino acid conservation, physicochemical variation, residue mobility, and thermodynamic stability) performed at Invitae indicates that this missense variant is not expected to disrupt ANK2 protein function. This variant has not been reported in the literature in individuals affected with ANK2-related conditions. This variant is not present in population databases (gnomAD no frequency). This sequence change replaces leucine, which is neutral and non-polar, with isoleucine, which is neutral and non-polar, at codon 1210 of the ANK2 protein (p.Leu1210Ile).